The following continues an entry in ClinVar:

NM_007194.4(CHEK2):c.715G>A (p.Glu239Lys)

Gene: CHEK2. ClinVar aggregate classification (germline): Conflicting classifications of pathogenicity. Likely pathogenic (1); Uncertain significance (20).

Submissions 18 to 23 of 23:

Sema4
Classification: Uncertain significance for Hereditary cancer-predisposing syndrome. Last evaluated: 2021-08-11. Review status: criteria provided, single submitter. Criteria: Sema4 Curation Guidelines. Collection method: curation. Allele origin: germline.
Comment: The CHEK2 c.715G>A(p.E239K) variant has been reported in individuals with breast, prostate, colon, or thyroid cancer (PMID: 21244692, 30303537, 27616075, 33471991, 32957588, 27595995, 12533788, 16941491, 28135145, 33692755, among others). It has also been reported in healthy controls (PMID: 27595995, 33471991). It was observed in 24/282754 chromosomes, with no homozygotes, across all populations in the large and broad cohorts of the Genome Aggregation Database (PMID: 32461654). Functional studies have shown reduced CHEK2 kinase activity (PMID: 16835864, 31780696, 31050813), while others have suggested this is a benign variant (PMID: 30851065). The variant has been reported in ClinVar (Variation ID: 5600). In silico predictions of the variant's effect on protein function are inconclusive. The evidence is insufficient to meet ACMG/AMP criteria for classifying the variant as benign or pathogenic. Thus, the clinical significance of this variant is currently uncertain.

Genetic Services Laboratory, University of Chicago
Classification: Uncertain significance. Last evaluated: 2019-07-31. Review status: criteria provided, single submitter. Criteria: ACMG Guidelines, 2015. Collection method: clinical testing. Allele origin: germline. Affected: no.

Mendelics
Classification: Uncertain significance for Familial cancer of breast. Last evaluated: 2018-07-02. Review status: criteria provided, single submitter. Criteria: Mendelics Assertion Criteria 2017. Collection method: clinical testing. Allele origin: unknown.

ARUP Laboratories, Molecular Genetics and Genomics, ARUP Laboratories
Classification: Uncertain significance. Last evaluated: 2018-04-11. Review status: criteria provided, single submitter. Criteria: ARUP Molecular Germline Variant Investigation Process. Collection method: clinical testing. Allele origin: germline.
Comment: The CHEK2: p.Glu239Lys variant (rs121908702) has been reported in association with colorectal, prostate, breast, and ovarian cancers, including control groups (Yurgelun 2017, Kraus 2017, Dong 2003, and Southey 2016). This variant is listed in the Genome Aggregation Database (gnomAD) with a frequency of 0.03 percent in the European Finnish population (identified on 8 out of 25,726 chromosomes) and has been reported to the ClinVar database (Variation ID: 5600). Reconstitution of this variant in yeast cells lacking CHEK2 showed a â€œmoderateâ€ decrease of growth compared to WT after DNA damage induction by methyl methanesulfonate (Roeb 2012). This variant is moderately conserved in the kinase domain of the CHEK2 protein and has been shown to reduce the phosphorylation activity of the enzyme with model substrate (Wu 2006); however computational predictors indicate a neutral effect on protein structure and function (SIFT: tolerated, PolyPhen-2: benign). Altogether, there is not enough evidence to classify the p.Glu239Lys variant with certainty.

OMIM
Classification: Uncertain significance for RECLASSIFIED - VARIANT OF UNKNOWN SIGNIFICANCE. Last evaluated: 2003-02-01. Review status: no assertion criteria provided. Collection method: literature only. Allele origin: germline. Not counted in ClinVar's aggregate classification.

Institute. of Biochemistry and Experimental Oncology, First Faculty of Medicine, Charles University in Prague
No classification provided. Review status: no classification provided. Collection method: not provided. Allele origin: germline, somatic. Not counted in ClinVar's aggregate classification.
Comment: Characterized in 1 out of 84 prostate tumour samples and in 1 out of 340 Non-Hodgkin lymphoma patients

Literature cited by the submitters: PubMed 12533788 (cited by 7 submitters); PubMed 21244692 (cited by 7 submitters); PubMed 26506619 (cited by 6 submitters); PubMed 26787654 (cited by 4 submitters); PubMed 26976419 (cited by 4 submitters); PubMed 27595995 (cited by 6 submitters); PubMed 27616075 (cited by 7 submitters); PubMed 28135145 (cited by 6 submitters); PubMed 30303537 (cited by 4 submitters); PubMed 31614935 (cited by Labcorp Genetics (formerly Invitae), Labcorp and Quest Diagnostics Nichols Institute San Juan Capistrano); PubMed 32957588 (cited by 4 submitters); PubMed 33692755 (cited by 4 submitters); PubMed 36468172 (cited by Labcorp Genetics (formerly Invitae), Labcorp and Quest Diagnostics Nichols Institute San Juan Capistrano); PubMed 16835864 (cited by 7 submitters); PubMed 22419737 (cited by 6 submitters); PubMed 30851065 (cited by 7 submitters); PubMed 34903604 (cited by 5 submitters); PubMed 32923877 (cited by Center for Genomic Medicine, Rigshospitalet, Copenhagen University Hospital); PubMed 31050813 (cited by 5 submitters); PubMed 31780696 (cited by 6 submitters); PubMed 25318351 (cited by Women's Health and Genetics/Laboratory Corporation of America, LabCorp and Quest Diagnostics Nichols Institute San Juan Capistrano); PubMed 25186627 (cited by Women's Health and Genetics/Laboratory Corporation of America, LabCorp and Quest Diagnostics Nichols Institute San Juan Capistrano); PubMed 26580448 (cited by Women's Health and Genetics/Laboratory Corporation of America, LabCorp); PubMed 29659569 (cited by Women's Health and Genetics/Laboratory Corporation of America, LabCorp); PubMed 33471991 (cited by 4 submitters); PubMed 37449874 (cited by 4 submitters); PubMed 39146382 (cited by Ambry Genetics); PubMed 39642869 (cited by Ambry Genetics); PubMed 25525159 (cited by Quest Diagnostics Nichols Institute San Juan Capistrano); PubMed 23298314 (cited by Quest Diagnostics Nichols Institute San Juan Capistrano); PubMed 16941491 (cited by Quest Diagnostics Nichols Institute San Juan Capistrano and Sema4); PubMed 35264596 (cited by Quest Diagnostics Nichols Institute San Juan Capistrano and Department of Pathology and Laboratory Medicine, Sinai Health System); PubMed 28166811 (cited by Quest Diagnostics Nichols Institute San Juan Capistrano); PubMed 34630562 (cited by Quest Diagnostics Nichols Institute San Juan Capistrano and Color Diagnostics, LLC DBA Color Health); PubMed 33298767 (cited by Quest Diagnostics Nichols Institute San Juan Capistrano); PubMed 33606978 (cited by Quest Diagnostics Nichols Institute San Juan Capistrano and Color Diagnostics, LLC DBA Color Health); PubMed 36315513 (cited by Quest Diagnostics Nichols Institute San Juan Capistrano); PubMed 37306523 (cited by Quest Diagnostics Nichols Institute San Juan Capistrano); PubMed 35534704 (cited by Quest Diagnostics Nichols Institute San Juan Capistrano); PubMed 25085752 (cited by Myriad Genetics, Inc.).